The following is an entry in ClinVar:

NM_020631.6(PLEKHG5):c.2366_2367del (p.Leu789fs)

Gene: PLEKHG5 (pleckstrin homology and RhoGEF domain containing G5; minus strand). Cytogenetic location: 1p36.31.
Variant type: Microsatellite.
Coding change: c.2366_2367del on transcript NM_020631.6 (MANE Select); coding-DNA positions 2366 to 2367, 2 bases deleted (TC; older notation c.2366_2367delTC).
Protein change: p.Leu789fs; shifts the reading frame from leucine 789.
Molecular consequence: frameshift variant.
Genome position (GRCh38, 1-based): chr1:6,468,469-6,468,470, GA deleted on the plus strand (TC on the coding strand, the reverse complement: PLEKHG5 is on the minus strand); deleting any 2 consecutive bases within chr1:6,468,469-6,468,475 gives the same sequence; the c. name uses the placement nearest the transcript's 3' end. VCF-style (leftmost placement, unchanged base first): chr1-6468468-TGA-T. GRCh37 (hg19) VCF-style: chr1-6528528-TGA-T.
Other names: c.2366_2367del (NM_020631.4); c.2477_2478del, p.Leu826fs (NM_001042663.3, NM_001265592.2); c.2361_2362CT[2], p.Leu789Glnfs (NM_001042664.2, NM_001042665.2, NM_001265594.3); c.2568_2569CT[2], p.Leu858Glnfs (NM_001265593.2); c.2366_2367del, p.Leu789fs (NM_198681.4); short protein forms L858fs, L789fs, L826fs.
Identifiers: ClinVar variation 468906 (VCV000468906.12), dbSNP rs759212541, ClinGen allele CA561173.

ClinVar aggregate classification (germline): Pathogenic/Likely pathogenic. Review status: criteria provided, multiple submitters, no conflicts (2 of 4 stars). 3 submissions from 3 submitters: Pathogenic (1); Likely pathogenic (2). Last evaluated 2026-01-17.

Conditions:
PLEKHG5-related disorder. Also called: PLEKHG5-related condition.
Charcot-Marie-Tooth disease recessive intermediate C. Also called: CHARCOT-MARIE-TOOTH NEUROPATHY, RECESSIVE INTERMEDIATE C. Identifiers: Orphanet 369867, MedGen C3809309, MONDO:0014154, OMIM 615376.
Neuronopathy, distal hereditary motor, autosomal recessive 4. Also called: Autosomal recessive lower motor neuron disease with childhood onset; NEUROPATHY, DISTAL HEREDITARY MOTOR, AUTOSOMAL RECESSIVE 4. Identifiers: Orphanet 206580, MedGen C1970211, MONDO:0012608, OMIM 611067.

Submissions (3):

Labcorp Genetics (formerly Invitae), Labcorp
Classification: Pathogenic for Neuronopathy, distal hereditary motor, autosomal recessive 4; Charcot-Marie-Tooth disease recessive intermediate C. Last evaluated: 2026-01-17. Review status: criteria provided, single submitter. Criteria: Invitae Variant Classification Sherloc (09022015). Collection method: clinical testing. Allele origin: germline.
Comment: This sequence change creates a premature translational stop signal (p.Leu789Glnfs*12) in the PLEKHG5 gene. It is expected to result in an absent or disrupted protein product. Loss-of-function variants in PLEKHG5 are known to be pathogenic (PMID: 17564964, 23777631). This variant is present in population databases (rs759212541, gnomAD 0.004%). This variant has not been reported in the literature in individuals affected with PLEKHG5-related conditions. ClinVar contains an entry for this variant (Variation ID: 468906). For these reasons, this variant has been classified as Pathogenic.

PreventionGenetics, part of Exact Sciences
Classification: Likely pathogenic for PLEKHG5-related condition. Last evaluated: 2025-09-23. Review status: criteria provided, single submitter. Criteria: ACMG Guidelines, 2015. Collection method: clinical testing. Allele origin: germline.
Comment: The PLEKHG5 c.2366_2367delTC variant is predicted to result in a frameshift and premature protein termination (p.Leu789Glnfs*12). To our knowledge, this variant has not been reported in the literature. This variant is reported in 0.0039% of alleles in individuals of European (non-Finnish) descent in gnomAD. Frameshift variants in PLEKHG5 are expected to be pathogenic. This variant is interpreted as likely pathogenic.

GeneDx
Classification: Likely pathogenic. Last evaluated: 2025-07-11. Review status: criteria provided, single submitter. Criteria: GeneDx Variant Classification Process June 2021. Collection method: clinical testing. Allele origin: germline. Affected: yes.
Comment: Reported as a heterozygous variant in a patient with Charcot-Marie-Tooth disease in the published literature; however, a second variant in PLEKHG5 was not reported (PMID: 36790232); Frameshift variant predicted to result in protein truncation or nonsense mediated decay in a gene for which loss of function is a known mechanism of disease; Not observed at significant frequency in large population cohorts (gnomAD); This variant is associated with the following publications: (PMID: 36790232)

Literature cited by the submitters: PubMed 17564964 (cited by Labcorp Genetics (formerly Invitae), Labcorp); PubMed 23777631 (cited by Labcorp Genetics (formerly Invitae), Labcorp).